The following is an entry in ClinVar:

ClinVar aggregate classification (germline): Uncertain significance (1 of 4 stars; one submission).

Conditions:
Luscan-Lumish syndrome. Identifiers: Orphanet 597738, MedGen C4085873, MONDO:0014791, OMIM 616831.

Allele frequency attached by ClinVar (database versions not stated): gnomAD exomes below 0.00001; TOPMed 0.00002; gnomAD 0.00004.
gnomAD v4.1: 7 of 1,532,188 alleles (0.00046%); highest among the groups gnomAD compares: African/African-American, 0.0097%; no homozygotes.

Submission:

Labcorp Genetics (formerly Invitae), Labcorp
Classification: Uncertain significance for Luscan-Lumish syndrome. Last evaluated: 2023-02-04. Review status: criteria provided, single submitter. Criteria: Invitae Variant Classification Sherloc (09022015). Collection method: clinical testing. Allele origin: germline.
Comment: This sequence change replaces threonine, which is neutral and polar, with serine, which is neutral and polar, at codon 1483 of the SETD2 protein (p.Thr1483Ser). In summary, the available evidence is currently insufficient to determine the role of this variant in disease. Therefore, it has been classified as a Variant of Uncertain Significance. Advanced modeling of protein sequence and biophysical properties (such as structural, functional, and spatial information, amino acid conservation, physicochemical variation, residue mobility, and thermodynamic stability) performed at Invitae indicates that this missense variant is not expected to disrupt SETD2 protein function. ClinVar contains an entry for this variant (Variation ID: 1010507). This variant has not been reported in the literature in individuals affected with SETD2-related conditions. This variant is present in population databases (no rsID available, gnomAD 0.01%).

NM_014159.7(SETD2):c.4447A>T (p.Thr1483Ser)

Gene: SETD2 (SET domain containing 2, histone lysine methyltransferase; minus strand). Cytogenetic location: 3p21.31.
Variant type: single nucleotide variant.
Coding change: c.4447A>T on transcript NM_014159.7 (MANE Select); coding-DNA position 4447, A replaced by T.
Protein change: p.Thr1483Ser; replaces threonine 1483 with serine.
Molecular consequence: missense variant. On other transcripts: non-coding transcript variant (1).
Genome position (GRCh38, 1-based): chr3:47,120,189, T>A on the plus strand (A>T on the coding strand, the complement: SETD2 is on the minus strand). VCF-style: chr3-47120189-T-A. GRCh37 (hg19) VCF-style: chr3-47161679-T-A.
Other names: c.4315A>T, p.Thr1439Ser (NM_001349370.3); short protein forms T1439S, T1483S.
Identifiers: ClinVar variation 1010507 (VCV001010507.5), dbSNP rs543066717, ClinGen allele CA73803352.